The following is an entry in ClinVar:

ClinVar aggregate classification (germline): Uncertain significance. Review status: criteria provided, multiple submitters, no conflicts (2 of 4 stars). 3 submissions from 3 submitters: Uncertain significance (3). Last evaluated 2025-11-17.

Conditions:
Inborn genetic diseases. Identifiers: MedGen C0950123, MeSH D030342.

Allele frequency attached by ClinVar (database versions not stated): gnomAD exomes 0.00002 and 0.00004; TOPMed 0.00002; ExAC 0.00003; gnomAD 0.00003 and 0.00004.
gnomAD v4.1: 56 of 1,613,370 alleles (0.0035%); highest among the groups gnomAD compares: South Asian, 0.0066%; no homozygotes.

Submissions (3):

Labcorp Genetics (formerly Invitae), Labcorp
Classification: Uncertain significance. Last evaluated: 2025-11-17. Review status: criteria provided, single submitter. Criteria: Invitae Variant Classification Sherloc (09022015). Collection method: clinical testing. Allele origin: germline.
Comment: This sequence change replaces arginine, which is basic and polar, with glutamine, which is neutral and polar, at codon 427 of the AP3D1 protein (p.Arg427Gln). This variant is present in population databases (rs748434647, gnomAD 0.01%). This variant has not been reported in the literature in individuals affected with AP3D1-related conditions. ClinVar contains an entry for this variant (Variation ID: 1502461). An algorithm developed to predict the effect of missense changes on protein structure and function (PolyPhen-2) suggests that this variant is likely to be tolerated. In summary, the available evidence is currently insufficient to determine the role of this variant in disease. Therefore, it has been classified as a Variant of Uncertain Significance.

Ambry Genetics
Classification: Uncertain significance for Inborn genetic diseases. Last evaluated: 2025-08-03. Review status: criteria provided, single submitter. Criteria: Ambry Variant Classification Scheme 2023. Collection method: clinical testing. Allele origin: germline.

Mayo Clinic Laboratories, Mayo Clinic
Classification: Uncertain significance. Last evaluated: 2024-08-06. Review status: criteria provided, single submitter. Criteria: ACMG Guidelines, 2015. Collection method: clinical testing. Allele origin: germline. Observed: 1 variant allele.
Comment: BP4

NM_001261826.3(AP3D1):c.1280G>A (p.Arg427Gln)

Gene: AP3D1 (adaptor related protein complex 3 subunit delta 1; minus strand). Cytogenetic location: 19p13.3.
Variant type: single nucleotide variant.
Coding change: c.1280G>A on transcript NM_001261826.3 (MANE Select); coding-DNA position 1280, G replaced by A.
Protein change: p.Arg427Gln; replaces arginine 427 with glutamine.
Molecular consequence: missense variant.
Genome position (GRCh38, 1-based): chr19:2,121,063, C>T on the plus strand (G>A on the coding strand, the complement: AP3D1 is on the minus strand). VCF-style: chr19-2121063-C-T. GRCh37 (hg19) VCF-style: chr19-2121062-C-T.
Other names: p.Arg427Gln; c.1280G>A, p.Arg427Gln (NM_001374799.1, NM_003938.8); c.1280G>A (NM_003938.5); short protein forms R427Q.
Identifiers: ClinVar variation 1502461 (VCV001502461.10), dbSNP rs748434647, ClinGen allele CA9059356.
Genomic context (GRCh38, chr19:2,121,063, plus strand): 5'-CGGATGGCCACGTCCAGCATTTGGGCGGCGATGAGGTGGCCGTGCCGTGTGCCCTCCAGC[C>T]GGGTCAGCTCCACCAGGATGCTGATGTACCTGTGGGGCAGAGGCGGTGAGTGAGCGGCGC-3'
Protein context (NP_001248755.1, residues 417-437): WYISILVELT[Arg427Gln]LEGTRHGHLI